The following is an entry in ClinVar:

NM_182916.3(TRNT1):c.403C>T (p.His135Tyr)

Gene: TRNT1 (tRNA nucleotidyl transferase 1; plus strand). Cytogenetic location: 3p26.2.
Variant type: single nucleotide variant.
Coding change: c.403C>T on transcript NM_182916.3 (MANE Select); coding-DNA position 403, C replaced by T.
Protein change: p.His135Tyr; replaces histidine 135 with tyrosine.
Molecular consequence: missense variant. On other transcripts: non-coding transcript variant (6).
Genome position (GRCh38, 1-based): chr3:3,140,570, C>T. VCF-style: chr3-3140570-C-T. GRCh37 (hg19) VCF-style: chr3-3182254-C-T.
Other names: c.403C>T, p.His135Tyr (NM_001302946.2, NM_001367321.1, NM_001367322.1 and 1 more transcripts); short protein forms H135Y.
Identifiers: ClinVar variation 1053680 (VCV001053680.5), dbSNP rs752478909, ClinGen allele CA351443969.

ClinVar aggregate classification (germline): Uncertain significance (1 of 4 stars; one submission).

Conditions:
Congenital sideroblastic anemia-B-cell immunodeficiency-periodic fever-developmental delay syndrome. Also called: Sideroblastic anemia with B-cell immunodeficiency, periodic fevers, and developmental delay. Identifiers: Orphanet 369861, MedGen C4015172, MONDO:0014487, OMIM 616084.

Submission:

Labcorp Genetics (formerly Invitae), Labcorp
Classification: Uncertain significance for Congenital sideroblastic anemia-B-cell immunodeficiency-periodic fever-developmental delay syndrome. Last evaluated: 2022-10-05. Review status: criteria provided, single submitter. Criteria: Invitae Variant Classification Sherloc (09022015). Collection method: clinical testing. Allele origin: germline.
Comment: This sequence change replaces histidine, which is basic and polar, with tyrosine, which is neutral and polar, at codon 135 of the TRNT1 protein (p.His135Tyr). This variant is not present in population databases (gnomAD no frequency). This variant has not been reported in the literature in individuals affected with TRNT1-related conditions. ClinVar contains an entry for this variant (Variation ID: 1053680). Advanced modeling of protein sequence and biophysical properties (such as structural, functional, and spatial information, amino acid conservation, physicochemical variation, residue mobility, and thermodynamic stability) performed at Invitae indicates that this missense variant is not expected to disrupt TRNT1 protein function. In summary, the available evidence is currently insufficient to determine the role of this variant in disease. Therefore, it has been classified as a Variant of Uncertain Significance.